The following is an entry in ClinVar:

NM_001042413.2(GLIS3):c.1092G>T (p.Pro364=)

Gene: GLIS3 (GLIS family zinc finger 3; minus strand). Cytogenetic location: 9p24.2.
Variant type: single nucleotide variant.
Coding change: c.1092G>T on transcript NM_001042413.2 (MANE Select); coding-DNA position 1092, G replaced by T.
Protein change: p.Pro364=; no amino-acid change (proline 364 retained).
Molecular consequence: synonymous variant.
Genome position (GRCh38, 1-based): chr9:4,118,386, C>A on the plus strand (G>T on the coding strand, the complement: GLIS3 is on the minus strand). VCF-style: chr9-4118386-C-A. GRCh37 (hg19) VCF-style: chr9-4118386-C-A.
Other names: c.627G>T, p.Pro209= (NM_152629.4).
Identifiers: ClinVar variation 435337 (VCV000435337.44), dbSNP rs74680081, ClinGen allele CA4968306.

ClinVar aggregate classification (germline): Benign/Likely benign. Review status: criteria provided, multiple submitters, no conflicts (2 of 4 stars). 6 submissions from 6 submitters: Benign (1); Likely benign (4). 1 of the submissions does not count toward it. Last evaluated 2025-12-21.

Conditions:
GLIS3-related disorder. Also called: GLIS3-related condition.
Neonatal diabetes mellitus with congenital hypothyroidism. Also called: NDH SYNDROME. Identifiers: Orphanet 79118, MedGen C1857775, MONDO:0012436, OMIM 610199.

Allele frequency attached by ClinVar (database versions not stated): ESP Exome Variant Server 0.00122; TOPMed 0.00144; 1000 Genomes Project 30x 0.00156; gnomAD 0.00172; 1000 Genomes Project 0.00180.
gnomAD v4.1: 425 of 1,600,068 alleles (0.027%); highest among the groups gnomAD compares: African/African-American, 0.52%; 1 homozygote.

Submissions (6):

Labcorp Genetics (formerly Invitae), Labcorp
Classification: Benign. Last evaluated: 2025-12-21. Review status: criteria provided, single submitter. Criteria: Invitae Variant Classification Sherloc (09022015). Collection method: clinical testing. Allele origin: germline.

Women's Health and Genetics/Laboratory Corporation of America, LabCorp
Classification: Likely benign. Last evaluated: 2024-02-02. Review status: criteria provided, single submitter. Criteria: LabCorp Variant Classification Summary - May 2015. Collection method: clinical testing. Allele origin: germline.

CeGaT Center for Human Genetics Tuebingen
Classification: Likely benign. Last evaluated: 2023-01-01. Review status: criteria provided, single submitter. Criteria: CeGaT Center For Human Genetics Tuebingen Variant Classification Criteria Version 2. Collection method: clinical testing. Allele origin: germline. Affected: yes. Observed: 1 variant allele.
Comment: GLIS3: BP4, BP7

Illumina Laboratory Services, Illumina
Classification: Likely benign for Neonatal diabetes mellitus with congenital hypothyroidism. Last evaluated: 2018-01-13. Review status: criteria provided, single submitter. Criteria: ICSL Variant Classification Criteria 13 December 2019. Collection method: clinical testing. Allele origin: germline.
Comment: This variant was observed in the ICSL laboratory as part of a predisposition screen in an ostensibly healthy population. It had not been previously curated by ICSL or reported in the Human Gene Mutation Database (HGMD: prior to June 1st, 2018), and was therefore a candidate for classification through an automated scoring system. Utilizing variant allele frequency, disease prevalence and penetrance estimates, and inheritance mode, an automated score was calculated to assess if this variant is too frequent to cause the disease. Based on the score and internal cut-off values, a variant classified as likely benign is not then subjected to further curation. The score for this variant resulted in a classification of likely benign for this disease.

Genetic Services Laboratory, University of Chicago
Classification: Likely benign. Last evaluated: 2016-09-21. Review status: criteria provided, single submitter. Criteria: ACMG Guidelines, 2015. Collection method: clinical testing. Allele origin: germline. Affected: no.

PreventionGenetics, part of Exact Sciences
Classification: Likely benign for GLIS3-related condition. Last evaluated: 2020-01-14. Review status: no assertion criteria provided. Collection method: clinical testing. Allele origin: germline. Not counted in ClinVar's aggregate classification.
Comment: This variant is classified as likely benign based on ACMG/AMP sequence variant interpretation guidelines (Richards et al. 2015 PMID: 25741868, with internal and published modifications).